The following is an entry in ClinVar:

ClinVar aggregate classification (germline): Uncertain significance (1 of 4 stars; one submission).

Conditions:
KATNIP-related disorder. Also called: KATNIP-related condition.

gnomAD v4.1: 37 of 1,614,058 alleles (0.0023%); highest among the groups gnomAD compares: Admixed American, 0.012%; 1 homozygote.

Submission:

PreventionGenetics, part of Exact Sciences
Classification: Uncertain significance for KATNIP-related condition. Last evaluated: 2026-04-14. Review status: criteria provided, single submitter. Criteria: ACMG Guidelines, 2015. Collection method: clinical testing. Allele origin: germline.
Comment: The KATNIP c.841C>T variant is predicted to result in the amino acid substitution p.Arg281Trp. To our knowledge, this variant has not been reported in the literature. This variant is reported in 0.014% of alleles in individuals of Latino descent in gnomAD. At this time, the clinical significance of this variant is uncertain due to the absence of conclusive functional and genetic evidence.

NM_015202.5(KATNIP):c.841C>T (p.Arg281Trp)

Gene: KATNIP (katanin interacting protein; plus strand). Cytogenetic location: 16p12.1.
Variant type: single nucleotide variant.
Coding change: c.841C>T on transcript NM_015202.5 (MANE Select); coding-DNA position 841, C replaced by T.
Protein change: p.Arg281Trp; replaces arginine 281 with tryptophan.
Molecular consequence: missense variant.
Genome position (GRCh38, 1-based): chr16:27,681,431, C>T. VCF-style: chr16-27681431-C-T. GRCh37 (hg19) VCF-style: chr16-27692752-C-T.
Other names: short protein forms R281W.
Identifiers: ClinVar variation 4983924 (VCV004983924.1).